The following is an entry in ClinVar:

ClinVar aggregate classification (germline): Likely pathogenic (1 of 4 stars; one submission).

Conditions:
Neuromuscular disease caused by qualitative or quantitative defects of dystrophin. Also called: Qualitative or quantitative defects of dystrophin. Identifiers: Orphanet 207085, MedGen C5679787, MONDO:0016147.

Submission:

Women's Health and Genetics/Laboratory Corporation of America, LabCorp
Classification: Likely pathogenic for Neuromuscular disease caused by qualitative or quantitative defects of dystrophin. Last evaluated: 2021-10-14. Review status: criteria provided, single submitter. Criteria: LabCorp Variant Classification Summary - May 2015. Collection method: clinical testing. Allele origin: germline.
Comment: Variant summary: The variant identified by MLPA or other technology involves the deletion of exons 10-36 in the DMD gene. A presumed nomenclature of c.(960+1_961-1)_(5154+1_5155-1)del has been designated for the purposes of this classification. Although exact breakpoints of this deletion are not known, it is expected to result in a large in-frame deletion change in the DMD gene, a known mechanism of disease. The variant was absent in 16116 control chromosomes (gnomAD database, Structural Variants dataset). These data indicate that the variant may be associated with disease. To our knowledge, no experimental evidence demonstrating an impact on protein function has been reported. No clinical diagnostic laboratories have submitted clinical-significance assessments for this variant to ClinVar after 2014. Based on the evidence outlined above, the variant was classified as likely pathogenic.

Literature cited by the submitters: PubMed 33644936; PubMed 33101180; PubMed 32962870.

NC_000023.10:g.(32381076_32382698)_(32663270_32715986)del

Gene: DMD (dystrophin; minus strand). Cytogenetic location: Xp21.1.
Variant type: Deletion.
Identifiers: ClinVar variation 1321377 (VCV001321377.1).